The following is an entry in ClinVar:

ClinVar aggregate classification (germline): Likely benign. Review status: criteria provided, single submitter (1 of 4 stars). 2 submissions from 2 submitters: Likely benign (1). 1 of the submissions does not count toward it. Last evaluated 2023-10-01.

Conditions:
NLRP5-related disorder. Also called: NLRP5-related condition.

Allele frequency attached by ClinVar (database versions not stated): ESP Exome Variant Server 0.00008; gnomAD 0.00012; gnomAD exomes 0.00017; TOPMed 0.00017; ExAC 0.00030; 1000 Genomes Project 30x 0.00031; 1000 Genomes Project 0.00040.
gnomAD v4.1: 271 of 1,605,804 alleles (0.017%); highest among the groups gnomAD compares: Middle Eastern, 0.05%; no homozygotes.

Submissions (2):

CeGaT Center for Human Genetics Tuebingen
Classification: Likely benign. Last evaluated: 2023-10-01. Review status: criteria provided, single submitter. Criteria: CeGaT Center For Human Genetics Tuebingen Variant Classification Criteria Version 2. Collection method: clinical testing. Allele origin: germline. Affected: yes. Observed: 1 variant allele.
Comment: NLRP5: BP4, BP7

PreventionGenetics, part of Exact Sciences
Classification: Likely benign for NLRP5-related condition. Last evaluated: 2019-07-19. Review status: no assertion criteria provided. Collection method: clinical testing. Allele origin: germline. Not counted in ClinVar's aggregate classification.
Comment: This variant is classified as likely benign based on ACMG/AMP sequence variant interpretation guidelines (Richards et al. 2015 PMID: 25741868, with internal and published modifications).

NM_001433705.1(NLRP5):c.780A>G (p.Gly260=)

Genes: NLRP5 (NLR family pyrin domain containing 5; plus strand), LOC126862935 (BRD4-independent group 4 enhancer GRCh37_chr19:56537936-56539135; plus strand). Cytogenetic location: 19q13.43.
Variant type: single nucleotide variant.
Coding change: c.780A>G on transcript NM_001433705.1 (MANE Select); coding-DNA position 780, A replaced by G.
Protein change: p.Gly260=; no amino-acid change (glycine 260 retained).
Molecular consequence: synonymous variant.
Genome position (GRCh38, 1-based): chr19:56,027,166, A>G. VCF-style: chr19-56027166-A-G. GRCh37 (hg19) VCF-style: chr19-56538532-A-G.
Other names: NM_153447.4:c.933A>G.
Identifiers: ClinVar variation 2650550 (VCV002650550.25), dbSNP rs375051517, ClinGen allele CA9685394.